The following is an entry in ClinVar:

NM_005902.4(SMAD3):c.763A>T (p.Met255Leu)

Gene: SMAD3 (SMAD family member 3; plus strand). Cytogenetic location: 15q22.33.
Variant type: single nucleotide variant.
Coding change: c.763A>T on transcript NM_005902.4 (MANE Select); coding-DNA position 763, A replaced by T.
Protein change: p.Met255Leu; replaces methionine 255 with leucine.
Molecular consequence: missense variant.
Genome position (GRCh38, 1-based): chr15:67,181,345, A>T. VCF-style: chr15-67181345-A-T. GRCh37 (hg19) VCF-style: chr15-67473683-A-T.
Other names: c.448A>T, p.Met150Leu (NM_001145102.2, NM_001407016.1); c.631A>T, p.Met211Leu (NM_001145103.2, NM_001407012.1); c.178A>T, p.Met60Leu (NM_001145104.2, NM_001407017.1); c.763A>T, p.Met255Leu (NM_001407011.1, NM_001407013.1); c.616A>T, p.Met206Leu (NM_001407014.1); c.316A>T, p.Met106Leu (NM_001407015.1); c.763A>T (NM_005902.3); short protein forms M106L, M255L, M150L, M206L, M211L, M60L.
Identifiers: ClinVar variation 2774512 (VCV002774512.3), dbSNP rs1341832335, ClinGen allele CA392956212.

ClinVar aggregate classification (germline): Uncertain significance. Review status: criteria provided, multiple submitters, no conflicts (2 of 4 stars). 2 submissions from 2 submitters: Uncertain significance (2). Last evaluated 2025-10-22.

Conditions:
Familial thoracic aortic aneurysm and aortic dissection (TAAD). Also called: Thoracic aortic aneurysms and dissections. Identifiers: Orphanet 91387, MedGen C4707243, MONDO:0019625.

Allele frequency attached by ClinVar (database versions not stated): gnomAD 0.00001.
gnomAD v4.1: 11 of 1,613,922 alleles (0.00068%); highest among the groups gnomAD compares: African/African-American, 0.0013%; no homozygotes.

Submissions (2):

Ambry Genetics
Classification: Uncertain significance for Familial thoracic aortic aneurysm and aortic dissection. Last evaluated: 2025-10-22. Review status: criteria provided, single submitter. Criteria: Ambry Variant Classification Scheme 2023. Collection method: clinical testing. Allele origin: germline.
Comment: The p.M255L variant (also known as c.763A>T), located in coding exon 6 of the SMAD3 gene, results from an A to T substitution at nucleotide position 763. The methionine at codon 255 is replaced by leucine, an amino acid with highly similar properties. This amino acid position is not well conserved in available vertebrate species. In addition, the in silico prediction for this alteration is inconclusive. Based on the available evidence, the clinical significance of this variant remains unclear.

Color Diagnostics, LLC DBA Color Health
Classification: Uncertain significance for Familial thoracic aortic aneurysm and aortic dissection. Last evaluated: 2021-11-17. Review status: criteria provided, single submitter. Criteria: ACMG Guidelines, 2015. Collection method: clinical testing. Allele origin: germline.
Comment: This missense variant replaces methionine with leucine at codon 255 of the SMAD3 protein. Computational prediction suggests that this variant may not impact protein structure and function (internally defined REVEL score threshold <= 0.5, PMID: 27666373). To our knowledge, functional studies have not been reported for this variant. This variant has not been reported in individuals affected with cardiovascular disorders in the literature. This variant has been identified in 1/251314 chromosomes in the general population by the Genome Aggregation Database (gnomAD). The available evidence is insufficient to determine the role of this variant in disease conclusively. Therefore, this variant is classified as a Variant of Uncertain Significance.